The following is an entry in ClinVar:

NM_004311.4(ARL3):c.355G>A (p.Val119Met)

Gene: ARL3 (ARF like GTPase 3; minus strand). Cytogenetic location: 10q24.32.
Variant type: single nucleotide variant.
Coding change: c.355G>A on transcript NM_004311.4 (MANE Select); coding-DNA position 355, G replaced by A.
Protein change: p.Val119Met; replaces valine 119 with methionine.
Molecular consequence: missense variant.
Genome position (GRCh38, 1-based): chr10:102,685,962, C>T on the plus strand (G>A on the coding strand, the complement: ARL3 is on the minus strand). VCF-style: chr10-102685962-C-T. GRCh37 (hg19) VCF-style: chr10-104445719-C-T.
Other names: short protein forms V119M.
Identifiers: ClinVar variation 1521101 (VCV001521101.8), dbSNP rs1428393158, ClinGen allele CA377920609.

ClinVar aggregate classification (germline): Uncertain significance (1 of 4 stars; one submission).

Allele frequency attached by ClinVar (database versions not stated): TOPMed below 0.00001; gnomAD 0.00001.
gnomAD v4.1: 1 of 1,613,638 alleles (0.000062%); highest among the groups gnomAD compares: African/African-American, 0.0013%; no homozygotes.

Submission:

Labcorp Genetics (formerly Invitae), Labcorp
Classification: Uncertain significance. Last evaluated: 2022-07-12. Review status: criteria provided, single submitter. Criteria: Invitae Variant Classification Sherloc (09022015). Collection method: clinical testing. Allele origin: germline.
Comment: This sequence change replaces valine, which is neutral and non-polar, with methionine, which is neutral and non-polar, at codon 119 of the ARL3 protein (p.Val119Met). This variant is not present in population databases (gnomAD no frequency). This variant has not been reported in the literature in individuals affected with ARL3-related conditions. ClinVar contains an entry for this variant (Variation ID: 1521101). Algorithms developed to predict the effect of missense changes on protein structure and function are either unavailable or do not agree on the potential impact of this missense change (SIFT: "Deleterious"; PolyPhen-2: "Probably Damaging"; Align-GVGD: "Class C0"). In summary, the available evidence is currently insufficient to determine the role of this variant in disease. Therefore, it has been classified as a Variant of Uncertain Significance.